The following is an entry in ClinVar:

NM_001127208.3(TET2):c.3765C>A (p.Tyr1255Ter)

Genes: TET2 (tet methylcytosine dioxygenase 2; plus strand), TET2-AS1 (TET2 antisense RNA 1; minus strand). Cytogenetic location: 4q24.
Variant type: single nucleotide variant.
Coding change: c.3765C>A on transcript NM_001127208.3 (MANE Select); coding-DNA position 3765, C replaced by A.
Protein change: p.Tyr1255Ter; replaces tyrosine 1255 with a stop codon.
Molecular consequence: nonsense.
Genome position (GRCh38, 1-based): chr4:105,243,740, C>A. VCF-style: chr4-105243740-C-A. GRCh37 (hg19) VCF-style: chr4-106164897-C-A.
Other names: short protein forms Y1255*.
Identifiers: ClinVar variation 2033736 (VCV002033736.6), dbSNP rs1352258641, ClinGen allele CA357805331.

ClinVar aggregate classification (germline): Pathogenic. Review status: criteria provided, single submitter (1 of 4 stars). 2 submissions from 2 submitters: Pathogenic (1). 1 of the submissions does not count toward it. Last evaluated 2024-02-23.

Conditions:
Angioimmunoblastic T-cell lymphoma. Identifiers: Orphanet 86886, MedGen C0020981, MONDO:0004977.

gnomAD v4.1: 1 of 1,551,550 alleles (0.000064%); no homozygotes.

Submissions (2):

Labcorp Genetics (formerly Invitae), Labcorp
Classification: Pathogenic. Last evaluated: 2024-02-23. Review status: criteria provided, single submitter. Criteria: Invitae Variant Classification Sherloc (09022015). Collection method: clinical testing. Allele origin: germline.
Comment: This sequence change creates a premature translational stop signal (p.Tyr1255*) in the TET2 gene. It is expected to result in an absent or disrupted protein product. Loss-of-function variants in TET2 are known to be pathogenic (PMID: 36066697). This variant is not present in population databases (gnomAD no frequency). This variant has not been reported in the literature in individuals affected with TET2-related conditions. ClinVar contains an entry for this variant (Variation ID: 2033736). For these reasons, this variant has been classified as Pathogenic.

Molecular Diagnostics Laboratory, University of Rochester Medical Center
Classification: Uncertain significance for Angioimmunoblastic T-cell lymphoma. Review status: no assertion criteria provided. Collection method: provider interpretation. Allele origin: unknown. Affected: yes. Not counted in ClinVar's aggregate classification.

Literature cited by the submitters: PubMed 36066697 (cited by Labcorp Genetics (formerly Invitae), Labcorp).